The following is an entry in ClinVar:

ClinVar aggregate classification (germline): Pathogenic (1 of 4 stars; one submission).

Conditions:
Fanconi anemia (FA). Also called: Fanconi's anemia. Identifiers: Orphanet 84, MedGen C0015625, MeSH D005199, MONDO:0019391.

Allele frequency attached by ClinVar (database versions not stated): gnomAD exomes below 0.00001; ExAC 0.00001.
gnomAD v4.1: 1 of 1,610,230 alleles (0.000062%); highest among the groups gnomAD compares: Admixed American, 0.0017%; no homozygotes.

Submission:

Labcorp Genetics (formerly Invitae), Labcorp
Classification: Pathogenic for Fanconi anemia. Last evaluated: 2019-06-19. Review status: criteria provided, single submitter. Criteria: Invitae Variant Classification Sherloc (09022015). Collection method: clinical testing. Allele origin: germline.
Comment: This sequence change creates a premature translational stop signal (p.Trp1185*) in the FANCA gene. It is expected to result in an absent or disrupted protein product. This variant is present in population databases (rs770393751, ExAC 0.01%). This variant has not been reported in the literature in individuals with FANCA-related conditions. Algorithms developed to predict the effect of sequence changes on RNA splicing suggest that this variant may create or strengthen a splice site, but this prediction has not been confirmed by published transcriptional studies. Loss-of-function variants in FANCA are known to be pathogenic (PMID: 19367192). For these reasons, this variant has been classified as Pathogenic.

Literature cited by the submitters: PubMed 19367192.

NM_000135.4(FANCA):c.3554G>A (p.Trp1185Ter)

Gene: FANCA (FA complementation group A; minus strand). Cytogenetic location: 16q24.3.
Variant type: single nucleotide variant.
Coding change: c.3554G>A on transcript NM_000135.4 (MANE Select); coding-DNA position 3554, G replaced by A.
Protein change: p.Trp1185Ter; replaces tryptophan 1185 with a stop codon.
Molecular consequence: nonsense.
Genome position (GRCh38, 1-based): chr16:89,745,031, C>T on the plus strand (G>A on the coding strand, the complement: FANCA is on the minus strand). VCF-style: chr16-89745031-C-T. GRCh37 (hg19) VCF-style: chr16-89811439-C-T.
Other names: c.3554G>A, p.Trp1185Ter (NM_001286167.3); short protein forms W1185*.
Identifiers: ClinVar variation 951991 (VCV000951991.7), dbSNP rs770393751, ClinGen allele CA8251096.